The following is an entry in ClinVar:

ClinVar aggregate classification (germline): Uncertain significance (1 of 4 stars; one submission).

Conditions:
Niemann-Pick disease, type C2 (NPC2). Identifiers: Orphanet 646, MedGen C1843366, MONDO:0011873, OMIM 607625.

Allele frequency attached by ClinVar (database versions not stated): gnomAD exomes below 0.00001.

Submission:

Labcorp Genetics (formerly Invitae), Labcorp
Classification: Uncertain significance for Niemann-Pick disease, type C2. Last evaluated: 2022-04-28. Review status: criteria provided, single submitter. Criteria: Invitae Variant Classification Sherloc (09022015). Collection method: clinical testing. Allele origin: germline.
Comment: This sequence change replaces leucine, which is neutral and non-polar, with valine, which is neutral and non-polar, at codon 78 of the NPC2 protein (p.Leu78Val). This variant is not present in population databases (gnomAD no frequency). This variant has not been reported in the literature in individuals affected with NPC2-related conditions. Algorithms developed to predict the effect of missense changes on protein structure and function output the following: SIFT: "Tolerated"; PolyPhen-2: "Benign"; Align-GVGD: "Class C0". The valine amino acid residue is found in multiple mammalian species, which suggests that this missense change does not adversely affect protein function. In summary, the available evidence is currently insufficient to determine the role of this variant in disease. Therefore, it has been classified as a Variant of Uncertain Significance.

NM_006432.5(NPC2):c.232C>G (p.Leu78Val)

Gene: NPC2 (NPC intracellular cholesterol transporter 2; minus strand). Cytogenetic location: 14q24.3.
Variant type: single nucleotide variant.
Coding change: c.232C>G on transcript NM_006432.5 (MANE Select); coding-DNA position 232, C replaced by G.
Protein change: p.Leu78Val; replaces leucine 78 with valine.
Molecular consequence: missense variant.
Genome position (GRCh38, 1-based): chr14:74,484,546, G>C on the plus strand (C>G on the coding strand, the complement: NPC2 is on the minus strand). VCF-style: chr14-74484546-G-C. GRCh37 (hg19) VCF-style: chr14-74951249-G-C.
Other names: c.232C>G, p.Leu78Val (NM_001363688.1, NM_001375440.1); short protein forms L78V.
Identifiers: ClinVar variation 1985817 (VCV001985817.1), dbSNP rs2506104611, ClinGen allele CA390532522.